The following is an entry in ClinVar:

NM_017763.6(RNF43):c.69A>G (p.Ala23=)

Gene: RNF43 (ring finger protein 43; minus strand). Cytogenetic location: 17q22.
Variant type: single nucleotide variant.
Coding change: c.69A>G on transcript NM_017763.6 (MANE Select); coding-DNA position 69, A replaced by G.
Protein change: p.Ala23=; no amino-acid change (alanine 23 retained).
Molecular consequence: synonymous variant.
Genome position (GRCh38, 1-based): chr17:58,415,509, T>C on the plus strand (A>G on the coding strand, the complement: RNF43 is on the minus strand). VCF-style: chr17-58415509-T-C. GRCh37 (hg19) VCF-style: chr17-56492870-T-C.
Other names: c.69A>G, p.Ala23= (NM_001305544.3).
Identifiers: ClinVar variation 3946848 (VCV003946848.2).
Genomic context (GRCh38, chr17:58,415,509, plus strand): 5'-TTCTGCTGATCTTTCAGACTCCACCGCTGCTGCCAGTACCAGTCCTGTGCGTCCAAAGCC[T>C]GCCTGCAGGGTAGCCATCAGCAGCCAGGGCCAGAGGGCAGCCAGCTGCAGCTGGTGGCCA-3'
Protein context (NP_060233.3, residues 13-33): WPWLLMATLQ[Ala23=]GFGRTGLVLA

ClinVar aggregate classification (germline): Benign/Likely benign. Review status: criteria provided, multiple submitters, no conflicts (2 of 4 stars). 2 submissions from 2 submitters: Benign (1); Likely benign (1). Last evaluated 2026-06-29.

Conditions:
Sessile serrated polyposis cancer syndrome (SSPCS). Identifiers: Orphanet 157798, MedGen C4310714, MONDO:0014919, OMIM 617108.

gnomAD v4.1: 1 of 1,612,822 alleles (0.000062%); highest among the groups gnomAD compares: Non-Finnish European, 0.000085%; no homozygotes.

Submissions (2):

Myriad Genetics, Inc.
Classification: Benign for Sessile serrated polyposis cancer syndrome. Last evaluated: 2026-06-29. Review status: criteria provided, single submitter. Criteria: Myriad Autosomal Dominant, Autosomal Recessive and X-Linked Classification Criteria (2023). Collection method: clinical testing. Allele origin: unknown.
Comment: This variant is considered benign. This variant is a silent/synonymous amino acid change and it is not expected to impact splicing.

Ambry Genetics
Classification: Likely benign. Last evaluated: 2025-04-07. Review status: criteria provided, single submitter. Criteria: Ambry Variant Classification Scheme 2023. Collection method: clinical testing. Allele origin: germline.